The following is an entry in ClinVar:

ClinVar aggregate classification (germline): Uncertain significance (1 of 4 stars; one submission).

Conditions:
Epileptic encephalopathy. Identifiers: MedGen C0543888, HP:0200134.

Submission:

Labcorp Genetics (formerly Invitae), Labcorp
Classification: Uncertain significance for Epileptic encephalopathy. Last evaluated: 2022-03-03. Review status: criteria provided, single submitter. Criteria: Invitae Variant Classification Sherloc (09022015). Collection method: clinical testing. Allele origin: germline.
Comment: Algorithms developed to predict the effect of missense changes on protein structure and function (SIFT, PolyPhen-2, Align-GVGD) all suggest that this variant is likely to be tolerated. This variant has not been reported in the literature in individuals affected with GABBR2-related conditions. This variant is present in population databases (no rsID available, gnomAD no frequency). This sequence change replaces glutamic acid, which is acidic and polar, with glutamine, which is neutral and polar, at codon 833 of the GABBR2 protein (p.Glu833Gln). In summary, the available evidence is currently insufficient to determine the role of this variant in disease. Therefore, it has been classified as a Variant of Uncertain Significance.

NM_005458.8(GABBR2):c.2497G>C (p.Glu833Gln)

Gene: GABBR2 (gamma-aminobutyric acid type B receptor subunit 2; minus strand). Cytogenetic location: 9q22.33.
Variant type: single nucleotide variant.
Coding change: c.2497G>C on transcript NM_005458.8 (MANE Select); coding-DNA position 2497, G replaced by C.
Protein change: p.Glu833Gln; replaces glutamic acid 833 with glutamine.
Molecular consequence: missense variant.
Genome position (GRCh38, 1-based): chr9:98,299,269, C>G on the plus strand (G>C on the coding strand, the complement: GABBR2 is on the minus strand). VCF-style: chr9-98299269-C-G. GRCh37 (hg19) VCF-style: chr9-101061551-C-G.
Other names: short protein forms E833Q.
Identifiers: ClinVar variation 1423875 (VCV001423875.8), dbSNP rs1369050795, ClinGen allele CA374193493.